The following is an entry in ClinVar:

NM_024079.5(ALG8):c.309dup (p.Leu104fs)

Gene: ALG8 (ALG8 alpha-1,3-glucosyltransferase; minus strand). Cytogenetic location: 11q14.1.
Variant type: Duplication.
Coding change: c.309dup on transcript NM_024079.5 (MANE Select); coding-DNA position 309, one base duplicated (A; older notation c.309dupA).
Protein change: p.Leu104fs; shifts the reading frame from leucine 104.
Molecular consequence: frameshift variant.
Genome position (GRCh38, 1-based): chr11:78,124,080, T duplicated on the plus strand (A on the coding strand, the reverse complement: ALG8 is on the minus strand). VCF-style (leftmost placement, unchanged base first): chr11-78124079-G-GT. GRCh37 (hg19) VCF-style: chr11-77835125-G-GT.
Other names: c.309dup, p.Leu104fs (NM_001007027.3); short protein forms L104fs.
Identifiers: ClinVar variation 2230523 (VCV002230523.4), dbSNP rs2497114146, ClinGen allele CA2580084975.

ClinVar aggregate classification (germline): Pathogenic/Likely pathogenic. Review status: criteria provided, multiple submitters, no conflicts (2 of 4 stars). 3 submissions from 3 submitters: Pathogenic (2); Likely pathogenic (1). Last evaluated 2026-06-17.

Conditions:
Inborn genetic diseases. Identifiers: MedGen C0950123, MeSH D030342.
Polycystic liver disease 3 with or without kidney cysts. Identifiers: MedGen C4693472, MONDO:0054743, OMIM 617874.
ALG8 congenital disorder of glycosylation. Also called: ALG8-CDG; CONGENITAL DISORDER OF GLYCOSYLATION, TYPE Ih; CDG Ih. Identifiers: Orphanet 79325, MedGen C2931002, MONDO:0011969, OMIM 608104.

Allele frequency attached by ClinVar (database versions not stated): gnomAD exomes 0.00001.

Submissions (3):

Victorian Clinical Genetics Services, Murdoch Childrens Research Institute
Classification: Pathogenic for Polycystic liver disease 3 with or without kidney cysts. Last evaluated: 2026-06-17. Review status: criteria provided, single submitter. Criteria: ACMG Guidelines, 2015. Collection method: clinical testing. Allele origin: germline. Affected: yes.
Comment: This variant is classified as Pathogenic. Evidence in support of pathogenic classification: Variant is predicted to cause nonsense-mediated decay (NMD) and loss of protein (premature termination codon is located at least 54 nucleotides upstream of the final exon-exon junction); Variant is present in gnomAD <0.01 (v4: 6 heterozygote(s), 0 homozygote(s)). - This variant has limited previous evidence of pathogenicity in unrelated individual(s). This variant has been classified as pathogenic and likely pathogenic by clinical laboratories (ClinVar); Other NMD-predicted variant(s) comparable to the one identified in this case have very strong previous evidence for pathogenicity. These variants have been reported in compound heterozygous patients with congenital disorder of glycosylation (CDG) and heterozygous patients with polycystic liver disease (PLD) (DECIPHER, ClinVar, PMID: 28375157, PMID: 26066342). Additional information: This variant is heterozygous; This gene is associated with both recessive and dominant disease. The same variants have been reported to cause both conditions (PMID: 28375157, 26066342); Loss of function is a known mechanism of disease in this gene and is associated with congenital disorder of glycosylation, type Ih (MIM#608104) and polycystic liver disease 3 with or without kidney cysts (MIM#617874); Variants in this gene are known to have variable expressivity (OMIM); Inheritance information for this variant is not currently available in this individual.

Fulgent Genetics
Classification: Likely pathogenic for ALG8 congenital disorder of glycosylation; Polycystic liver disease 3 with or without kidney cysts. Last evaluated: 2024-06-07. Review status: criteria provided, single submitter. Criteria: ACMG Guidelines, 2015. Collection method: clinical testing. Allele origin: germline.

Ambry Genetics
Classification: Pathogenic for Inborn genetic diseases. Last evaluated: 2021-04-03. Review status: criteria provided, single submitter. Criteria: Ambry Variant Classification Scheme 2023. Collection method: clinical testing. Allele origin: germline.
Comment: The c.309dupA (p.L104Tfs*20) alteration, located in exon 3 (coding exon 3) of the ALG8 gene, consists of a duplication of A at position 309, causing a translational frameshift with a predicted alternate stop codon after 20 amino acids. This alteration is expected to result in loss of function by premature protein truncation or nonsense-mediated mRNA decay. Based on the available evidence, this alteration is classified as pathogenic.

Literature cited by the submitters: PubMed 26066342 (cited by Victorian Clinical Genetics Services, Murdoch Childrens Research Institute); PubMed 28375157 (cited by Victorian Clinical Genetics Services, Murdoch Childrens Research Institute).